The following is an entry in ClinVar:

NM_000287.4(PEX6):c.1735dup (p.Leu579fs)

Gene: PEX6 (peroxisomal biogenesis factor 6; minus strand). Cytogenetic location: 6p21.1.
Variant type: Duplication.
Coding change: c.1735dup on transcript NM_000287.4 (MANE Select); coding-DNA position 1735, one base duplicated (C; older notation c.1735dupC).
Protein change: p.Leu579fs; shifts the reading frame from leucine 579.
Molecular consequence: frameshift variant. On other transcripts: non-coding transcript variant (1).
Genome position (GRCh38, 1-based): chr6:42,967,517, G duplicated on the plus strand (C on the coding strand, the reverse complement: PEX6 is on the minus strand); the first of 2 consecutive G bases (chr6:42,967,517-42,967,518); duplicating either gives the same sequence. VCF-style (leftmost placement, unchanged base first): chr6-42967516-A-AG. GRCh37 (hg19) VCF-style: chr6-42935254-A-AG.
Other names: c.1471dup, p.Leu491fs (NM_001316313.2); short protein forms L491fs, L579fs.
Identifiers: ClinVar variation 5011861 (VCV005011861.1).

ClinVar aggregate classification (germline): Pathogenic (1 of 4 stars; one submission).

Conditions:
Peroxisome biogenesis disorder. Identifiers: Orphanet 79189, MedGen C1832200, MONDO:0019234. Disease mechanism: loss of function.

Submission:

Myriad Genetics, Inc.
Classification: Pathogenic for Peroxisome biogenesis disorder. Last evaluated: 2023-09-27. Review status: criteria provided, single submitter. Criteria: Myriad Autosomal Dominant, Autosomal Recessive and X-Linked Classification Criteria (2023). Collection method: clinical testing. Allele origin: unknown.
Comment: NM_000287.3(PEX6):c.1735dupC(L579Pfs*4) is expected to be pathogenic in the context of peroxisome biogenesis disorder type 4. This variant is predicted to lead to an abnormal or absent protein product due to the creation of a premature termination codon in PEX6, a gene where loss-of-function variants are known to be pathogenic. Please note: this variant was assessed in the context of healthy population screening.